The following is an entry in ClinVar:

ClinVar aggregate classification (germline): Conflicting classifications of pathogenicity. Review status: criteria provided, conflicting classifications (1 of 4 stars). 5 submissions from 5 submitters: Pathogenic (1); Likely pathogenic (1); Uncertain significance (1). 2 of the submissions do not count toward it. Last evaluated 2026-02-11.

Conditions:
ACTG2-related disorder. Also called: ACTG2-related condition.
Visceral myopathy 1 (VSCM1). Also called: ACTG2 Visceral Myopathy; Visceral myopathy; Infantile visceral myopathy. Identifiers: Orphanet 2604, MedGen C5542197, MONDO:0020754, OMIM 155310.

Allele frequency attached by ClinVar (database versions not stated): gnomAD exomes below 0.00001.

Submissions (5):

PreventionGenetics, part of Exact Sciences
Classification: Uncertain significance for ACTG2-related condition. Last evaluated: 2026-02-11. Review status: criteria provided, single submitter. Criteria: ACMG Guidelines, 2015. Collection method: clinical testing. Allele origin: germline.
Comment: The ACTG2 c.632G>A variant is predicted to result in the amino acid substitution p.Arg211Gln. This variant has been reported in an individual with megacystis microcolon intestinal hypoperistalsis syndrome (MMIHS) (Table S2 and S3, ID FAM53-1 or Fam53, maternally-inherited, Assia Batzir et al. 2019. PubMed ID: 31769566). This variant has not been reported in a large population database (gnomAD), indicating this variant is rare. Although we suspect that this variant may be pathogenic, at this time, the clinical significance of this variant is uncertain due to the absence of conclusive functional and genetic evidence.

GeneDx
Classification: Pathogenic. Last evaluated: 2024-02-01. Review status: criteria provided, single submitter. Criteria: GeneDx Variant Classification Process June 2021. Collection method: clinical testing. Allele origin: germline. Affected: yes.
Comment: Identified in two individuals from the same family with CIPO or MMIHS (PMID: 29387497); Not observed at significant frequency in large population cohorts (gnomAD); In silico analysis supports that this missense variant has a deleterious effect on protein structure/function; This variant is associated with the following publications: (PMID: 29387497)

Center for Human Genetics, Inc
Classification: Likely pathogenic for Visceral myopathy 1. Last evaluated: 2016-10-17. Review status: criteria provided, single submitter. Criteria: ACMG Guidelines, 2015. Collection method: clinical testing. Allele origin: germline. Affected: yes.

Wangler Lab, Baylor College of Medicine
Classification: Pathogenic for Visceral myopathy 1. Last evaluated: 2019-10-04. Review status: no assertion criteria provided. Collection method: case-control. Allele origin: maternal. Inheritance: Autosomal dominant inheritance. Affected: yes. Not counted in ClinVar's aggregate classification.
Comment: Identified as a de novo event in our clinical cohort of MMIHS

GeneReviews
No classification provided. Condition: Visceral myopathy 1. Review status: no classification provided. Collection method: literature only. Allele origin: germline. Not counted in ClinVar's aggregate classification.
Comment: Insufficient data for genotype-phenotype correlations

Literature cited by the submitters: PubMed 31769566 (cited by GeneReviews); PubMed 26072522 (cited by GeneReviews).

NM_001615.4(ACTG2):c.632G>A (p.Arg211Gln)

Gene: ACTG2 (actin gamma 2, smooth muscle; plus strand). Cytogenetic location: 2p13.1.
Variant type: single nucleotide variant.
Coding change: c.632G>A on transcript NM_001615.4 (MANE Select); coding-DNA position 632, G replaced by A.
Protein change: p.Arg211Gln; replaces arginine 211 with glutamine.
Molecular consequence: missense variant.
Genome position (GRCh38, 1-based): chr2:73,914,698, G>A. VCF-style: chr2-73914698-G-A. GRCh37 (hg19) VCF-style: chr2-74141825-G-A.
Other names: c.503G>A, p.Arg168Gln (NM_001199893.2); short protein forms R211Q, R168Q.
Identifiers: ClinVar variation 495145 (VCV000495145.12), dbSNP rs1553396458, ClinGen allele CA347304135.